The following is an entry in ClinVar:

NM_001010874.5(TECRL):c.32_34dup (p.Glu11_Arg12insGln)

Gene: TECRL (trans-2,3-enoyl-CoA reductase like; minus strand). Cytogenetic location: 4q13.1.
Variant type: Duplication.
Coding change: c.32_34dup on transcript NM_001010874.5 (MANE Select); coding-DNA positions 32 to 34, 3 bases duplicated (AAC; older notation c.32_34dupAAC).
Protein change: p.Glu11_Arg12insGln.
Molecular consequence: inframe insertion.
Genome position (GRCh38, 1-based): chr4:64,409,318-64,409,320, GTT duplicated on the plus strand (AAC on the coding strand, the reverse complement: TECRL is on the minus strand). VCF-style (leftmost placement, unchanged base first): chr4-64409317-C-CGTT. GRCh37 (hg19) VCF-style: chr4-65275035-C-CGTT.
Other names: c.32_34dup, p.Glu11_Arg12insGln (NM_001363796.1).
Identifiers: ClinVar variation 3232339 (VCV003232339.1), dbSNP rs1724950217, ClinGen allele CA1063449773.

ClinVar aggregate classification (germline): Uncertain significance (1 of 4 stars; one submission).

Conditions:
Cardiovascular phenotype. Identifiers: MedGen CN230736.

Allele frequency attached by ClinVar (database versions not stated): gnomAD 0.00001.

Submission:

Ambry Genetics
Classification: Uncertain significance for Cardiovascular phenotype. Last evaluated: 2023-11-22. Review status: criteria provided, single submitter. Criteria: Ambry Variant Classification Scheme 2023. Collection method: clinical testing. Allele origin: germline.
Comment: The c.32_34dupAAC variant (also known as p.E11_R12insQ), located in coding exon 1 of the TECRL gene, results from an in-frame duplication of AAC at nucleotide positions 32 to 34. This results in the duplication of 1 extra residue (glutamine) between codons 11 and 12. In addition, this alteration is predicted to be neutral by in silico analysis (Choi Y et al. PLoS ONE. 2012; 7(10):e46688). Since supporting evidence is limited at this time, the clinical significance of this alteration remains unclear.